The following is an entry in ClinVar:

ClinVar aggregate classification (germline): Uncertain significance (1 of 4 stars; one submission).

Submission:

Labcorp Genetics (formerly Invitae), Labcorp
Classification: Uncertain significance. Last evaluated: 2022-05-27. Review status: criteria provided, single submitter. Criteria: Invitae Variant Classification Sherloc (09022015). Collection method: clinical testing. Allele origin: germline.
Comment: This variant is not present in population databases (gnomAD no frequency). This sequence change replaces serine, which is neutral and polar, with tyrosine, which is neutral and polar, at codon 2486 of the KMT2A protein (p.Ser2486Tyr). In summary, the available evidence is currently insufficient to determine the role of this variant in disease. Therefore, it has been classified as a Variant of Uncertain Significance. Advanced modeling of protein sequence and biophysical properties (such as structural, functional, and spatial information, amino acid conservation, physicochemical variation, residue mobility, and thermodynamic stability) performed at Invitae indicates that this missense variant is not expected to disrupt KMT2A protein function. This variant has not been reported in the literature in individuals affected with KMT2A-related conditions.

NM_001197104.2(KMT2A):c.7457C>A (p.Ser2486Tyr)

Gene: KMT2A (lysine methyltransferase 2A; plus strand). Cytogenetic location: 11q23.3.
Variant type: single nucleotide variant.
Coding change: c.7457C>A on transcript NM_001197104.2 (MANE Select); coding-DNA position 7457, C replaced by A.
Protein change: p.Ser2486Tyr; replaces serine 2486 with tyrosine.
Molecular consequence: missense variant.
Genome position (GRCh38, 1-based): chr11:118,503,349, C>A. VCF-style: chr11-118503349-C-A. GRCh37 (hg19) VCF-style: chr11-118374064-C-A.
Other names: c.7547C>A, p.Ser2516Tyr (NM_001412597.1); c.7448C>A, p.Ser2483Tyr (NM_005933.4); short protein forms S2486Y, S2516Y, S2483Y.
Identifiers: ClinVar variation 1999711 (VCV001999711.4), dbSNP rs2496998933, ClinGen allele CA382805653.